The following is an entry in ClinVar:

ClinVar aggregate classification (germline): Conflicting classifications of pathogenicity. Review status: criteria provided, conflicting classifications (1 of 4 stars). 3 submissions from 3 submitters: Uncertain significance (2); Likely benign (1). Last evaluated 2025-06-24.

Conditions:
Primary ciliary dyskinesia. Also called: Ciliary dyskinesia. Identifiers: Orphanet 244, MedGen C0008780, MONDO:0016575, HP:0012265.

Allele frequency attached by ClinVar (database versions not stated): gnomAD 0.00004; TOPMed 0.00005.

Submissions (3):

Ambry Genetics
Classification: Likely benign for Primary ciliary dyskinesia. Last evaluated: 2025-06-24. Review status: criteria provided, single submitter. Criteria: Ambry Variant Classification Scheme 2023. Collection method: clinical testing. Allele origin: germline.

Labcorp Genetics (formerly Invitae), Labcorp
Classification: Uncertain significance for Primary ciliary dyskinesia. Last evaluated: 2021-08-11. Review status: criteria provided, single submitter. Criteria: Invitae Variant Classification Sherloc (09022015). Collection method: clinical testing. Allele origin: germline.
Comment: This sequence change replaces glycine with aspartic acid at codon 464 of the DNAAF2 protein (p.Gly464Asp). The glycine residue is moderately conserved and there is a moderate physicochemical difference between glycine and aspartic acid. This variant is not present in population databases (ExAC no frequency). This variant has not been reported in the literature in individuals affected with DNAAF2-related conditions. Algorithms developed to predict the effect of missense changes on protein structure and function output the following: SIFT: "Tolerated"; PolyPhen-2: "Benign"; Align-GVGD: "Class C0". The aspartic acid amino acid residue is found in multiple mammalian species, which suggests that this missense change does not adversely affect protein function. In summary, the available evidence is currently insufficient to determine the role of this variant in disease. Therefore, it has been classified as a Variant of Uncertain Significance.

UNC Molecular Genetics  Laboratory, University of North Carolina at Chapel Hill
Classification: Uncertain significance for Primary ciliary dyskinesia. Last evaluated: 2021-04-07. Review status: criteria provided, single submitter. Criteria: ACMG Guidelines, 2015. Collection method: clinical testing. Allele origin: germline. Observed: 1 heterozygote.

NM_018139.3(DNAAF2):c.1391G>A (p.Gly464Asp)

Gene: DNAAF2 (dynein axonemal assembly factor 2; minus strand). Cytogenetic location: 14q21.3.
Variant type: single nucleotide variant.
Coding change: c.1391G>A on transcript NM_018139.3 (MANE Select); coding-DNA position 1391, G replaced by A.
Protein change: p.Gly464Asp; replaces glycine 464 with aspartic acid.
Molecular consequence: missense variant. On other transcripts: 5 prime UTR variant (1).
Genome position (GRCh38, 1-based): chr14:49,633,759, C>T on the plus strand (G>A on the coding strand, the complement: DNAAF2 is on the minus strand). VCF-style: chr14-49633759-C-T. GRCh37 (hg19) VCF-style: chr14-50100477-C-T.
Other names: c.1391G>A, p.Gly464Asp (NM_001083908.2); c.-481G>A (NM_001378453.1); short protein forms G464D.
Identifiers: ClinVar variation 1210275 (VCV001210275.5), dbSNP rs1024449397, ClinGen allele CA260668292.